The following is an entry in ClinVar:

NM_001165963.4(SCN1A):c.3394T>G (p.Phe1132Val)

Genes: SCN1A (sodium voltage-gated channel alpha subunit 1; minus strand), LOC102724058 (uncharacterized LOC102724058; plus strand). Cytogenetic location: 2q24.3.
Variant type: single nucleotide variant.
Coding change: c.3394T>G on transcript NM_001165963.4 (MANE Select); coding-DNA position 3394, T replaced by G.
Protein change: p.Phe1132Val; replaces phenylalanine 1132 with valine.
Molecular consequence: missense variant. On other transcripts: non-coding transcript variant (2).
Genome position (GRCh38, 1-based): chr2:166,036,083, A>C on the plus strand (T>G on the coding strand, the complement: SCN1A is on the minus strand). VCF-style: chr2-166036083-A-C. GRCh37 (hg19) VCF-style: chr2-166892593-A-C.
Other names: c.3310T>G, p.Phe1104Val (NM_001165964.3, NM_001353957.2, NM_001353958.2); c.3394T>G, p.Phe1132Val (NM_001202435.3, NM_001353948.2); c.3361T>G, p.Phe1121Val (NM_001353949.2, NM_001353950.2, NM_001353951.2 and 2 more transcripts); c.3358T>G, p.Phe1120Val (NM_001353954.2, NM_001353955.2); c.3307T>G, p.Phe1103Val (NM_001353960.2); c.952T>G, p.Phe318Val (NM_001353961.2); short protein forms F1121V, F318V, F1120V, F1103V, F1104V, F1132V.
Identifiers: ClinVar variation 5009853 (VCV005009853.1).

ClinVar aggregate classification (germline): Uncertain significance (1 of 4 stars; one submission).

Submission:

GeneDx
Classification: Uncertain significance. Last evaluated: 2026-02-20. Review status: criteria provided, single submitter. Criteria: GeneDx Variant Classification Process June 2021. Collection method: clinical testing. Allele origin: germline.
Comment: Not observed at significant frequency in large population cohorts (gnomAD); In silico analysis supports that this missense variant has a deleterious effect on protein structure/function; Has not been previously published as pathogenic or benign to our knowledge; This substitution is predicted to be within the cytoplasmic loop between the second and third homologous domains